The following is an entry in ClinVar:

NM_001103.4(ACTN2):c.1226A>G (p.Lys409Arg)

Gene: ACTN2 (actinin alpha 2; plus strand). Cytogenetic location: 1q43.
Variant type: single nucleotide variant.
Coding change: c.1226A>G on transcript NM_001103.4 (MANE Select); coding-DNA position 1226, A replaced by G.
Protein change: p.Lys409Arg; replaces lysine 409 with arginine.
Molecular consequence: missense variant.
Genome position (GRCh38, 1-based): chr1:236,743,014, A>G. VCF-style: chr1-236743014-A-G. GRCh37 (hg19) VCF-style: chr1-236906314-A-G.
Other names: c.1226A>G, p.Lys409Arg (NM_001278343.2); c.602A>G, p.Lys201Arg (NM_001278344.2); short protein forms K409R, K201R.
Identifiers: ClinVar variation 217488 (VCV000217488.6), dbSNP rs863225115, ClinGen allele CA279291.

ClinVar aggregate classification (germline): Uncertain significance. Review status: criteria provided, multiple submitters, no conflicts (2 of 4 stars). 2 submissions from 2 submitters: Uncertain significance (2). Last evaluated 2022-01-23.

Conditions:
Dilated cardiomyopathy 1AA (CMD1AA). Also called: CARDIOMYOPATHY, DILATED, 1AA, WITH OR WITHOUT LEFT VENTRICULAR NONCOMPACTION; CARDIOMYOPATHY, FAMILIAL HYPERTROPHIC, 23, WITH OR WITHOUT LEFT VENTRICULAR NONCOMPACTION; Cardiomyopathy, dilated, 1AA, with or without LVNC. Identifiers: Orphanet 154, MedGen C2677338, MONDO:0012808, OMIM 612158.
Primary familial hypertrophic cardiomyopathy (HCM). Identifiers: Orphanet 99739, MedGen C0949658, MeSH D024741, MONDO:0024573. Inheritance: Various modes of inheritance.

Submissions (2):

Labcorp Genetics (formerly Invitae), Labcorp
Classification: Uncertain significance for Primary familial hypertrophic cardiomyopathy; Dilated cardiomyopathy 1AA. Last evaluated: 2022-01-23. Review status: criteria provided, single submitter. Criteria: Invitae Variant Classification Sherloc (09022015). Collection method: clinical testing. Allele origin: germline.
Comment: In summary, the available evidence is currently insufficient to determine the role of this variant in disease. Therefore, it has been classified as a Variant of Uncertain Significance. Advanced modeling of protein sequence and biophysical properties (such as structural, functional, and spatial information, amino acid conservation, physicochemical variation, residue mobility, and thermodynamic stability) performed at Invitae indicates that this missense variant is not expected to disrupt ACTN2 protein function. ClinVar contains an entry for this variant (Variation ID: 217488). This variant has not been reported in the literature in individuals affected with ACTN2-related conditions. This variant is not present in population databases (gnomAD no frequency). This sequence change replaces lysine, which is basic and polar, with arginine, which is basic and polar, at codon 409 of the ACTN2 protein (p.Lys409Arg).

Laboratory of Genetics and Molecular Cardiology, University of São Paulo
Classification: Uncertain significance for Dilated cardiomyopathy 1AA. Review status: criteria provided, single submitter. Criteria: LGCM Criteria August 2015. Collection method: clinical testing. Allele origin: germline. Affected: yes. Observed: 2 variant alleles. Study: Sarcomeric Human Cardiomyopathy Registry (ShaRe).